The following is an entry in ClinVar:

ClinVar aggregate classification (germline): Likely benign. Review status: criteria provided, multiple submitters, no conflicts (2 of 4 stars). 2 submissions from 2 submitters: Likely benign (2). Last evaluated 2022-07-28.

Allele frequency attached by ClinVar (database versions not stated): gnomAD exomes below 0.00001.

Submissions (2):

Labcorp Genetics (formerly Invitae), Labcorp
Classification: Likely benign. Last evaluated: 2022-07-28. Review status: criteria provided, single submitter. Criteria: Invitae Variant Classification Sherloc (09022015). Collection method: clinical testing. Allele origin: germline.

GeneDx
Classification: Likely benign. Last evaluated: 2017-10-27. Review status: criteria provided, single submitter. Criteria: GeneDx Variant Classification (06012015). Collection method: clinical testing. Allele origin: germline. Affected: yes.
Comment: This variant is considered likely benign or benign based on one or more of the following criteria: it is a conservative change, it occurs at a poorly conserved position in the protein, it is predicted to be benign by multiple in silico algorithms, and/or has population frequency not consistent with disease.

NM_005654.6(NR2F1):c.991+10C>A

Gene: NR2F1 (nuclear receptor subfamily 2 group F member 1; plus strand). Cytogenetic location: 5q15.
Variant type: single nucleotide variant.
Coding change: c.991+10C>A on transcript NM_005654.6 (MANE Select); 10 bases into the intron after coding-DNA position 991, C replaced by A.
Molecular consequence: intron variant.
Genome position (GRCh38, 1-based): chr5:93,588,454, C>A. VCF-style: chr5-93588454-C-A. GRCh37 (hg19) VCF-style: chr5-92924160-C-A.
Identifiers: ClinVar variation 512911 (VCV000512911.5), dbSNP rs1554074872, ClinGen allele CA560836303.